The following is an entry in ClinVar:

ClinVar aggregate classification (germline): Likely benign (1 of 4 stars; one submission).

Submission:

CeGaT Center for Human Genetics Tuebingen
Classification: Likely benign. Last evaluated: 2024-04-01. Review status: criteria provided, single submitter. Criteria: CeGaT Center For Human Genetics Tuebingen Variant Classification Criteria Version 2. Collection method: clinical testing. Allele origin: germline. Affected: yes. Observed: 1 variant allele.
Comment: ZNF578: BP4, BP7

NM_001099694.2(ZNF578):c.906G>T (p.Leu302=)

Gene: ZNF578 (zinc finger protein 578; plus strand). Cytogenetic location: 19q13.41.
Variant type: single nucleotide variant.
Coding change: c.906G>T on transcript NM_001099694.2 (MANE Select); coding-DNA position 906, G replaced by T.
Protein change: p.Leu302=; no amino-acid change (leucine 302 retained).
Molecular consequence: synonymous variant.
Genome position (GRCh38, 1-based): chr19:52,511,287, G>T. VCF-style: chr19-52511287-G-T. GRCh37 (hg19) VCF-style: chr19-53014540-G-T.
Other names: c.906G>T, p.Leu302= (NM_001366182.2).
Identifiers: ClinVar variation 3234148 (VCV003234148.20), dbSNP rs879229640, ClinGen allele CA309883810.